The following is an entry in ClinVar:

NM_014141.6(CNTNAP2):c.3473T>A (p.Ile1158Lys)

Gene: CNTNAP2 (contactin associated protein 2; plus strand). Cytogenetic location: 7q36.1.
Variant type: single nucleotide variant.
Coding change: c.3473T>A on transcript NM_014141.6 (MANE Select); coding-DNA position 3473, T replaced by A.
Protein change: p.Ile1158Lys; replaces isoleucine 1158 with lysine.
Molecular consequence: missense variant.
Genome position (GRCh38, 1-based): chr7:148,267,124, T>A. VCF-style: chr7-148267124-T-A. GRCh37 (hg19) VCF-style: chr7-147964216-T-A.
Other names: short protein forms I1158K.
Identifiers: ClinVar variation 420541 (VCV000420541.7), dbSNP rs1064794544, ClinGen allele CA16618390.

ClinVar aggregate classification (germline): Uncertain significance. Review status: criteria provided, multiple submitters, no conflicts (2 of 4 stars). 3 submissions from 3 submitters: Uncertain significance (3). Last evaluated 2025-10-15.

Conditions:
Cortical dysplasia-focal epilepsy syndrome (PTHSL1). Also called: Pitt-Hopkins-like syndrome 1. Identifiers: Orphanet 163681, Orphanet 221150, MedGen C2750246, MONDO:0012400, OMIM 610042.
Inborn genetic diseases. Identifiers: MedGen C0950123, MeSH D030342.

Allele frequency attached by ClinVar (database versions not stated): TOPMed below 0.00001; gnomAD 0.00001; gnomAD exomes 0.00001 and 0.00002.
gnomAD v4.1: 28 of 1,613,032 alleles (0.0017%); highest among the groups gnomAD compares: Non-Finnish European, 0.0022%; no homozygotes.

Submissions (3):

Ambry Genetics
Classification: Uncertain significance for Inborn genetic diseases. Last evaluated: 2025-10-15. Review status: criteria provided, single submitter. Criteria: Ambry Variant Classification Scheme 2023. Collection method: clinical testing. Allele origin: germline.

Labcorp Genetics (formerly Invitae), Labcorp
Classification: Uncertain significance for Cortical dysplasia-focal epilepsy syndrome. Last evaluated: 2024-10-07. Review status: criteria provided, single submitter. Criteria: Invitae Variant Classification Sherloc (09022015). Collection method: clinical testing. Allele origin: germline.
Comment: This sequence change replaces isoleucine, which is neutral and non-polar, with lysine, which is basic and polar, at codon 1158 of the CNTNAP2 protein (p.Ile1158Lys). This variant is present in population databases (no rsID available, gnomAD 0.002%). This variant has not been reported in the literature in individuals affected with CNTNAP2-related conditions. ClinVar contains an entry for this variant (Variation ID: 420541). An algorithm developed to predict the effect of missense changes on protein structure and function (PolyPhen-2) suggests that this variant is likely to be disruptive. In summary, the available evidence is currently insufficient to determine the role of this variant in disease. Therefore, it has been classified as a Variant of Uncertain Significance.

GeneDx
Classification: Uncertain significance. Last evaluated: 2017-07-07. Review status: criteria provided, single submitter. Criteria: GeneDx Variant Classification (06012015). Collection method: clinical testing. Allele origin: germline. Affected: yes.
Comment: A variant of uncertain significance has been identified in the CNTNAP2 gene. The I1158K variant has not been published as a pathogenic variant, nor has it been reported as a benign variant to our knowledge. It was not observed in approximately 6,500 individuals of European and African American ancestry in the NHLBI Exome Sequencing Project, indicating it is not a common benign variant in these populations. The I1158K variant is a non-conservative amino acid substitution, which is likely to impact secondary protein structure as these residues differ in polarity, charge, size and/or other properties. This substitution occurs at a position that is conserved in mammals. However, in silico analysis is inconsistent in its predictions as to whether or not the variant is damaging to the protein structure/function. Therefore, based on the currently available information, it is unclear whether this variant is a pathogenic variant or a rare benign variant.